The following is an entry in ClinVar:

ClinVar aggregate classification (germline): Uncertain significance (1 of 4 stars; one submission).

Conditions:
PLXNA1-related disorder. Also called: PLXNA1-related condition.

Submission:

PreventionGenetics, part of Exact Sciences
Classification: Uncertain significance for PLXNA1-related condition. Last evaluated: 2026-04-25. Review status: criteria provided, single submitter. Criteria: ACMG Guidelines, 2015. Collection method: clinical testing. Allele origin: germline.
Comment: The PLXNA1 c.5200G>A variant is predicted to result in the amino acid substitution p.Ala1734Thr. To our knowledge, this variant has not been reported in the literature or in a large population database (gnomAD), indicating this variant is rare. At this time, the clinical significance of this variant is uncertain due to the absence of conclusive functional and genetic evidence.

NM_032242.4(PLXNA1):c.5200G>A (p.Ala1734Thr)

Gene: PLXNA1 (plexin A1; plus strand). Cytogenetic location: 3q21.3.
Variant type: single nucleotide variant.
Coding change: c.5200G>A on transcript NM_032242.4 (MANE Select); coding-DNA position 5200, G replaced by A.
Protein change: p.Ala1734Thr; replaces alanine 1734 with threonine.
Molecular consequence: missense variant.
Genome position (GRCh38, 1-based): chr3:127,030,381, G>A. VCF-style: chr3-127030381-G-A. GRCh37 (hg19) VCF-style: chr3-126749224-G-A.
Other names: short protein forms A1734T.
Identifiers: ClinVar variation 4993596 (VCV004993596.1).